The following is an entry in ClinVar:

ClinVar aggregate classification (germline): Uncertain significance (1 of 4 stars; one submission).

Allele frequency attached by ClinVar (database versions not stated): ExAC 0.00001.
gnomAD v4.1: 7 of 1,613,412 alleles (0.00043%); highest among the groups gnomAD compares: East Asian, 0.0022%; no homozygotes.

Submission:

Labcorp Genetics (formerly Invitae), Labcorp
Classification: Uncertain significance. Last evaluated: 2023-08-17. Review status: criteria provided, single submitter. Criteria: Invitae Variant Classification Sherloc (09022015). Collection method: clinical testing. Allele origin: germline.
Comment: This variant is present in population databases (rs771203518, gnomAD 0.002%). In summary, the available evidence is currently insufficient to determine the role of this variant in disease. Therefore, it has been classified as a Variant of Uncertain Significance. Advanced modeling of protein sequence and biophysical properties (such as structural, functional, and spatial information, amino acid conservation, physicochemical variation, residue mobility, and thermodynamic stability) performed at Invitae indicates that this missense variant is expected to disrupt TRRAP protein function. This variant has not been reported in the literature in individuals affected with TRRAP-related conditions. This sequence change replaces arginine, which is basic and polar, with tryptophan, which is neutral and slightly polar, at codon 3473 of the TRRAP protein (p.Arg3473Trp).

NM_001375524.1(TRRAP):c.10546C>T (p.Arg3516Trp)

Gene: TRRAP (transformation/transcription domain associated protein; plus strand). Cytogenetic location: 7q22.1.
Variant type: single nucleotide variant.
Coding change: c.10546C>T on transcript NM_001375524.1 (MANE Select); coding-DNA position 10546, C replaced by T.
Protein change: p.Arg3516Trp; replaces arginine 3516 with tryptophan.
Molecular consequence: missense variant.
Genome position (GRCh38, 1-based): chr7:99,005,141, C>T. VCF-style: chr7-99005141-C-T. GRCh37 (hg19) VCF-style: chr7-98602764-C-T.
Other names: c.10504C>T, p.Arg3502Trp (NM_001244580.2); c.10417C>T, p.Arg3473Trp (NM_003496.4); short protein forms R3473W, R3502W, R3516W.
Identifiers: ClinVar variation 2996809 (VCV002996809.3), dbSNP rs771203518, ClinGen allele CA4361948.